The following is an entry in ClinVar:

NM_138691.3(TMC1):c.2035G>T (p.Glu679Ter)

Gene: TMC1 (transmembrane channel like 1; plus strand). Cytogenetic location: 9q21.13.
Variant type: single nucleotide variant.
Coding change: c.2035G>T on transcript NM_138691.3 (MANE Select); coding-DNA position 2035, G replaced by T.
Protein change: p.Glu679Ter; replaces glutamic acid 679 with a stop codon.
Molecular consequence: nonsense.
Genome position (GRCh38, 1-based): chr9:72,826,900, G>T. VCF-style: chr9-72826900-G-T. GRCh37 (hg19) VCF-style: chr9-75441816-G-T.
Other names: short protein forms E679*.
Identifiers: ClinVar variation 3601899 (VCV003601899.1).

ClinVar aggregate classification (germline): Pathogenic (1 of 4 stars; one submission).

Conditions:
Autosomal recessive nonsyndromic hearing loss 7. Also called: DEAFNESS, AUTOSOMAL RECESSIVE 11. Identifiers: Orphanet 90636, MedGen C1832978, MONDO:0010967, OMIM 600974.

Submission:

Institute of Rare Diseases, West China Hospital, Sichuan University
Classification: Pathogenic for Autosomal recessive nonsyndromic hearing loss 7. Last evaluated: 2025-01-09. Review status: criteria provided, single submitter. Criteria: ClinGen HL ACMG Specifications v1. Collection method: research. Allele origin: germline. Affected: yes.
Comment: PVS1;PM3;PM2_Supporting